The following is an entry in ClinVar:

NM_000264.5(PTCH1):c.3639C>T (p.His1213=)

Gene: PTCH1 (patched 1; minus strand). Cytogenetic location: 9q22.32.
Variant type: single nucleotide variant.
Coding change: c.3639C>T on transcript NM_000264.5 (MANE Select); coding-DNA position 3639, C replaced by T.
Protein change: p.His1213=; no amino-acid change (histidine 1213 retained).
Molecular consequence: synonymous variant. On other transcripts: non-coding transcript variant (1).
Genome position (GRCh38, 1-based): chr9:95,449,234, G>A on the plus strand (C>T on the coding strand, the complement: PTCH1 is on the minus strand). VCF-style: chr9-95449234-G-A. GRCh37 (hg19) VCF-style: chr9-98211516-G-A.
Other names: c.3639C>T (NM_000264.4); c.3441C>T, p.His1147= (NM_001083602.3); c.3636C>T, p.His1212= (NM_001083603.3); c.3186C>T, p.His1062= (NM_001083604.3, NM_001083605.3, NM_001083606.3 and 1 more transcripts); c.3483C>T, p.His1161= (NM_001354918.2).
Identifiers: ClinVar variation 415465 (VCV000415465.25), dbSNP rs761797443, ClinGen allele CA5138096.

ClinVar aggregate classification (germline): Likely benign. Review status: criteria provided, multiple submitters, no conflicts (2 of 4 stars). 6 submissions from 6 submitters: Likely benign (6). Last evaluated 2026-01-11.

Conditions:
Hereditary cancer-predisposing syndrome. Also called: Tumor predisposition; Hereditary neoplastic syndrome; Hereditary Cancer Syndrome; Neoplastic Syndromes, Hereditary. Identifiers: Orphanet 140162, MedGen C0027672, MeSH D009386, MONDO:0015356.
Gorlin syndrome. Also called: Nevoid Basal Cell Carcinoma Syndrome; Basal cell nevus syndrome. Identifiers: Orphanet 377, MedGen C0004779, MONDO:0007187.

Allele frequency attached by ClinVar (database versions not stated): ExAC 0.00002; gnomAD exomes 0.00002 and 0.00003; gnomAD 0.00003; TOPMed 0.00003.
gnomAD v4.1: 37 of 1,587,468 alleles (0.0023%); highest among the groups gnomAD compares: Middle Eastern, 0.017%; no homozygotes.

Submissions (6):

Labcorp Genetics (formerly Invitae), Labcorp
Classification: Likely benign for Gorlin syndrome. Last evaluated: 2026-01-11. Review status: criteria provided, single submitter. Criteria: Invitae Variant Classification Sherloc (09022015). Collection method: clinical testing. Allele origin: germline.

CeGaT Center for Human Genetics Tuebingen
Classification: Likely benign. Last evaluated: 2025-11-01. Review status: criteria provided, single submitter. Criteria: CeGaT Center For Human Genetics Tuebingen Variant Classification Criteria Version 2. Collection method: clinical testing. Allele origin: germline. Affected: yes. Observed: 1 variant allele.
Comment: PTCH1: BP4, BP7

Center for Genomic Medicine, Rigshospitalet, Copenhagen University Hospital
Classification: Likely benign. Last evaluated: 2025-03-04. Review status: criteria provided, single submitter. Criteria: ACMG Guidelines, 2015. Collection method: clinical testing. Allele origin: germline.

Quest Diagnostics Nichols Institute San Juan Capistrano
Classification: Likely benign. Last evaluated: 2024-12-16. Review status: criteria provided, single submitter. Criteria: Quest Diagnostics criteria. Collection method: clinical testing. Allele origin: unknown.

Sema4
Classification: Likely benign for Hereditary cancer-predisposing syndrome. Last evaluated: 2021-11-09. Review status: criteria provided, single submitter. Criteria: Sema4 Curation Guidelines. Collection method: curation. Allele origin: germline.

Ambry Genetics
Classification: Likely benign for Hereditary cancer-predisposing syndrome. Last evaluated: 2018-08-26. Review status: criteria provided, single submitter. Criteria: Ambry Variant Classification Scheme 2023. Collection method: clinical testing. Allele origin: germline.